The following is an entry in ClinVar:

NM_001148.6(ANK2):c.10645C>T (p.Arg3549Cys)

Gene: ANK2 (ankyrin 2; plus strand). Cytogenetic location: 4q26.
Variant type: single nucleotide variant.
Coding change: c.10645C>T on transcript NM_001148.6 (MANE Select); coding-DNA position 10645, C replaced by T.
Protein change: p.Arg3549Cys; replaces arginine 3549 with cysteine.
Molecular consequence: missense variant. On other transcripts: intron variant (68).
Genome position (GRCh38, 1-based): chr4:113,359,263, C>T. VCF-style: chr4-113359263-C-T. GRCh37 (hg19) VCF-style: chr4-114280419-C-T.
Other names: c.10411C>T, p.Arg3471Cys (NM_001386142.1); c.7045C>T, p.Arg2349Cys (NM_001386166.1); c.10786C>T, p.Arg3596Cys (NM_001386174.1); c.10762C>T, p.Arg3588Cys (NM_001386175.1); c.4412-1560C>T (NM_001386186.2, NM_001386148.2); c.4214-1560C>T (NM_001354269.3); c.4292-1560C>T (NM_001386187.2); c.4253-1560C>T (NM_001386147.1); and 35 more; short protein forms R3549C, R2349C, R3471C, R3588C, R3596C.
Identifiers: ClinVar variation 647584 (VCV000647584.9), dbSNP rs1056477885, ClinGen allele CA103818253.

ClinVar aggregate classification (germline): Uncertain significance. Review status: criteria provided, multiple submitters, no conflicts (2 of 4 stars). 3 submissions from 3 submitters: Uncertain significance (3). Last evaluated 2026-07-31.

Conditions:
Long QT syndrome (LQTS). Identifiers: MedGen C0023976, MeSH D008133, MONDO:0002442. Disease mechanism: loss of function. Inheritance: Various modes of inheritance.

Allele frequency attached by ClinVar (database versions not stated): gnomAD exomes below 0.00001; TOPMed below 0.00001; gnomAD 0.00001.
gnomAD v4.1: 8 of 1,613,798 alleles (0.0005%); highest among the groups gnomAD compares: African/African-American, 0.0013%; no homozygotes.

Submissions (3):

GeneDx
Classification: Uncertain significance. Last evaluated: 2026-07-31. Review status: criteria provided, single submitter. Criteria: GeneDx Variant Classification Process June 2021. Collection method: clinical testing. Allele origin: germline.
Comment: Not observed at significant frequency in large population cohorts (gnomAD); In silico analysis supports that this missense variant has a deleterious effect on protein structure/function; Identified in individuals with neurodevelopmental disorders and in one case described as paternally inherited; however, additional clinical details were not provided (PMID: 28191889, 33004838); This variant is associated with the following publications: (PMID: 1830053, 18790697, 26109584, 28191889, 33004838, 27535533)

Women's Health and Genetics/Laboratory Corporation of America, LabCorp
Classification: Uncertain significance. Last evaluated: 2023-10-19. Review status: criteria provided, single submitter. Criteria: LabCorp Variant Classification Summary - May 2015. Collection method: clinical testing. Allele origin: germline.
Comment: Variant summary: ANK2 c.10645C>T (p.Arg3549Cys) results in a non-conservative amino acid change in the encoded protein sequence. Five of five in-silico tools predict a damaging effect of the variant on protein function. The variant allele was found at a frequency of 4e-06 in 250470 control chromosomes. The available data on variant occurrences in the general population are insufficient to allow any conclusion about variant significance. To our knowledge, no occurrence of c.10645C>T in individuals affected with Long QT Syndrome/Arrhythmia and no experimental evidence demonstrating its impact on protein function have been reported. Two submitters have cited clinical-significance assessments for this variant to ClinVar after 2014. All submitters classified the variant as uncertain significance. Based on the evidence outlined above, the variant was classified as uncertain significance.

Labcorp Genetics (formerly Invitae), Labcorp
Classification: Uncertain significance for Long QT syndrome. Last evaluated: 2023-10-18. Review status: criteria provided, single submitter. Criteria: Invitae Variant Classification Sherloc (09022015). Collection method: clinical testing. Allele origin: germline.
Comment: This sequence change replaces arginine, which is basic and polar, with cysteine, which is neutral and slightly polar, at codon 3549 of the ANK2 protein (p.Arg3549Cys). This variant is present in population databases (no rsID available, gnomAD 0.005%). This missense change has been observed in individual(s) with neurodevelopmental disorder (PMID: 28191889). This variant is also known as c.10741C>T (p.Arg3581Cys). ClinVar contains an entry for this variant (Variation ID: 647584). An algorithm developed to predict the effect of missense changes on protein structure and function (PolyPhen-2) suggests that this variant is likely to be disruptive. In summary, the available evidence is currently insufficient to determine the role of this variant in disease. Therefore, it has been classified as a Variant of Uncertain Significance.

Literature cited by the submitters: PubMed 28191889 (cited by Labcorp Genetics (formerly Invitae), Labcorp).